The following is an entry in ClinVar:

ClinVar aggregate classification (germline): Uncertain significance (1 of 4 stars; one submission).

Conditions:
Primary ciliary dyskinesia. Also called: Ciliary dyskinesia. Identifiers: Orphanet 244, MedGen C0008780, MONDO:0016575, HP:0012265.

Submission:

Ambry Genetics
Classification: Uncertain significance for Primary ciliary dyskinesia. Last evaluated: 2023-10-23. Review status: criteria provided, single submitter. Criteria: Ambry Variant Classification Scheme 2023. Collection method: clinical testing. Allele origin: germline.
Comment: The p.E2908K variant (also known as c.8722G>A), located in coding exon 52 of the DNAH5 gene, results from a G to A substitution at nucleotide position 8722. The glutamic acid at codon 2908 is replaced by lysine, an amino acid with similar properties. This amino acid position is conserved. In addition, this alteration is predicted to be tolerated by in silico analysis. Since supporting evidence is limited at this time, the clinical significance of this alteration remains unclear.

NM_001369.3(DNAH5):c.8722G>A (p.Glu2908Lys)

Gene: DNAH5 (dynein axonemal heavy chain 5; minus strand). Cytogenetic location: 5p15.2.
Variant type: single nucleotide variant.
Coding change: c.8722G>A on transcript NM_001369.3 (MANE Select); coding-DNA position 8722, G replaced by A.
Protein change: p.Glu2908Lys; replaces glutamic acid 2908 with lysine.
Molecular consequence: missense variant.
Genome position (GRCh38, 1-based): chr5:13,786,277, C>T on the plus strand (G>A on the coding strand, the complement: DNAH5 is on the minus strand). VCF-style: chr5-13786277-C-T. GRCh37 (hg19) VCF-style: chr5-13786386-C-T.
Other names: short protein forms E2908K.
Identifiers: ClinVar variation 3221512 (VCV003221512.1), dbSNP rs2546713278, ClinGen allele CA359215382.